The following is an entry in ClinVar:

ClinVar aggregate classification (germline): Uncertain significance (1 of 4 stars; one submission).

Conditions:
Hereditary breast ovarian cancer syndrome. Also called: Hereditary breast and ovarian cancer; Hereditary breast and ovarian cancer syndrome; BRCA1- and BRCA2-Associated Hereditary Breast and Ovarian Cancer; Hereditary breast and ovarian cancer syndrome (HBOC); Breast and ovarian cancer; Hereditary breast and/or ovarian cancer syndrome. Identifiers: Orphanet 145, MedGen C0677776, MeSH D061325, MONDO:0003582. Disease mechanism: loss of function.

Submission:

Labcorp Genetics (formerly Invitae), Labcorp
Classification: Uncertain significance for Hereditary breast ovarian cancer syndrome. Last evaluated: 2018-11-08. Review status: criteria provided, single submitter. Criteria: Invitae Variant Classification Sherloc (09022015). Collection method: clinical testing. Allele origin: germline.
Comment: In summary, the available evidence is currently insufficient to determine the role of this variant in disease. Therefore, it has been classified as a Variant of Uncertain Significance. Algorithms developed to predict the effect of missense changes on protein structure and function are either unavailable or do not agree on the potential impact of this missense change (SIFT: "Tolerated"; PolyPhen-2: "Probably Damaging"; Align-GVGD: "Class C0"). This variant has not been reported in the literature in individuals with BRCA2-related disease. This variant is not present in population databases (ExAC no frequency). This sequence change replaces alanine with aspartic acid at codon 2897 of the BRCA2 protein (p.Ala2897Asp). The alanine residue is moderately conserved and there is a moderate physicochemical difference between alanine and aspartic acid.

NM_000059.4(BRCA2):c.8690C>A (p.Ala2897Asp)

Gene: BRCA2 (BRCA2 DNA repair associated; plus strand). Cytogenetic location: 13q13.1.
Variant type: single nucleotide variant.
Coding change: c.8690C>A on transcript NM_000059.4 (MANE Select); coding-DNA position 8690, C replaced by A.
Protein change: p.Ala2897Asp; replaces alanine 2897 with aspartic acid.
Molecular consequence: missense variant.
Genome position (GRCh38, 1-based): chr13:32,376,727, C>A. VCF-style: chr13-32376727-C-A. GRCh37 (hg19) VCF-style: chr13-32950864-C-A.
Other names: short protein forms A2897D.
Identifiers: ClinVar variation 647234 (VCV000647234.9), dbSNP rs1555288157, ClinGen allele CA387754809.